The following is an entry in ClinVar:

NM_004621.6(TRPC6):c.2408A>G (p.Lys803Arg)

Gene: TRPC6 (transient receptor potential cation channel subfamily C member 6; minus strand). Cytogenetic location: 11q22.1.
Variant type: single nucleotide variant.
Coding change: c.2408A>G on transcript NM_004621.6 (MANE Select); coding-DNA position 2408, A replaced by G.
Protein change: p.Lys803Arg; replaces lysine 803 with arginine.
Molecular consequence: missense variant.
Genome position (GRCh38, 1-based): chr11:101,471,184, T>C on the plus strand (A>G on the coding strand, the complement: TRPC6 is on the minus strand). VCF-style: chr11-101471184-T-C. GRCh37 (hg19) VCF-style: chr11-101341915-T-C.
Other names: short protein forms K803R.
Identifiers: ClinVar variation 1712371 (VCV001712371.5), dbSNP rs750525727, ClinGen allele CA6244136.

ClinVar aggregate classification (germline): Conflicting classifications of pathogenicity. Review status: criteria provided, conflicting classifications (1 of 4 stars). 4 submissions from 4 submitters: Uncertain significance (2); Likely benign (1). 1 of the submissions does not count toward it. Last evaluated 2025-12-25.

Conditions:
TRPC6-related disorder. Also called: TRPC6-related condition.
Focal segmental glomerulosclerosis 2 (FSGS2). Identifiers: Orphanet 656, MedGen C1858915, MONDO:0011390, OMIM 603965.
Focal segmental glomerulosclerosis (FSGS). Also called: Glomerulosclerosis, focal; Focal sclerosis with hyalinosis. Identifiers: MedGen C0017668, MONDO:0100313, HP:0000097. Disease mechanism: loss of function.

Allele frequency attached by ClinVar (database versions not stated): gnomAD 0.00003; TOPMed 0.00003; gnomAD exomes 0.00004; ExAC 0.00006.
gnomAD v4.1: 70 of 1,613,682 alleles (0.0043%); highest among the groups gnomAD compares: South Asian, 0.04%; no homozygotes.

Submissions (4):

Labcorp Genetics (formerly Invitae), Labcorp
Classification: Likely benign. Last evaluated: 2025-12-25. Review status: criteria provided, single submitter. Criteria: Invitae Variant Classification Sherloc (09022015). Collection method: clinical testing. Allele origin: germline.

Fulgent Genetics
Classification: Uncertain significance for Focal segmental glomerulosclerosis 2. Last evaluated: 2024-03-28. Review status: criteria provided, single submitter. Criteria: ACMG Guidelines, 2015. Collection method: clinical testing. Allele origin: germline.

Genome Diagnostics Laboratory, The Hospital for Sick Children
Classification: Uncertain significance for Focal segmental glomerulosclerosis. Last evaluated: 2022-09-27. Review status: criteria provided, single submitter. Criteria: ACMG Guidelines, 2015. Collection method: clinical testing. Allele origin: germline.

PreventionGenetics, part of Exact Sciences
Classification: Uncertain significance for TRPC6-related condition. Last evaluated: 2024-07-23. Review status: no assertion criteria provided. Collection method: clinical testing. Allele origin: germline. Not counted in ClinVar's aggregate classification.
Comment: The TRPC6 c.2408A>G variant is predicted to result in the amino acid substitution p.Lys803Arg. To our knowledge, this variant has not been reported in the literature. This variant is reported in 0.042% of alleles in individuals of South Asian descent in gnomAD. Although we suspect that this variant may be benign due to the relatively high allele frequency in the general population, at this time, the clinical significance of this variant is uncertain due to the absence of conclusive functional and genetic evidence.